The following is an entry in ClinVar:

ClinVar aggregate classification (germline): Uncertain significance (0 of 4 stars; one submission).

Conditions:
KMT2D-related disorder. Also called: KMT2D-Related Disorders.

Submission:

PreventionGenetics, part of Exact Sciences
Classification: Uncertain significance for KMT2D-related condition. Last evaluated: 2024-07-01. Review status: no assertion criteria provided. Collection method: clinical testing. Allele origin: germline.
Comment: The KMT2D c.12931C>T variant is predicted to result in the amino acid substitution p.Pro4311Ser. To our knowledge, this variant has not been reported in the literature or in a large population database, indicating this variant is rare. At this time, the clinical significance of this variant is uncertain due to the absence of conclusive functional and genetic evidence.

NM_003482.4(KMT2D):c.12931C>T (p.Pro4311Ser)

Gene: KMT2D (lysine methyltransferase 2D; minus strand). Cytogenetic location: 12q13.12.
Variant type: single nucleotide variant.
Coding change: c.12931C>T on transcript NM_003482.4 (MANE Select); coding-DNA position 12931, C replaced by T.
Protein change: p.Pro4311Ser; replaces proline 4311 with serine.
Molecular consequence: missense variant.
Genome position (GRCh38, 1-based): chr12:49,031,774, G>A on the plus strand (C>T on the coding strand, the complement: KMT2D is on the minus strand). VCF-style: chr12-49031774-G-A. GRCh37 (hg19) VCF-style: chr12-49425557-G-A.
Other names: short protein forms P4311S.
Identifiers: ClinVar variation 3344086 (VCV003344086.1).